The following is an entry in ClinVar:

ClinVar aggregate classification (germline): Likely pathogenic. Review status: criteria provided, multiple submitters, no conflicts (2 of 4 stars). 2 submissions from 2 submitters: Likely pathogenic (2). Last evaluated 2024-12-19.

Conditions:
Bronchiectasis and nasal polyposis. Identifiers: MedGen C5975469, MONDO:0975835, OMIM 620984.

gnomAD v4.1: 247 of 1,594,800 alleles (0.015%); highest among the groups gnomAD compares: Non-Finnish European, 0.02%; no homozygotes.

Submissions (2):

3billion
Classification: Likely pathogenic for Bronchiectasis and nasal polyposis. Last evaluated: 2024-12-19. Review status: criteria provided, single submitter. Criteria: ACMG Guidelines, 2015. Collection method: clinical testing. Allele origin: germline. Affected: yes.
Comment: The variant is observed at an extremely low frequency in the gnomAD v4.1.0 dataset (total allele frequency: 0.015%). Predicted Consequence/Location: Missense variant In silico tool predictions suggest damaging effect of the variant on gene or gene product [REVEL: 0.81 (>=0.6, sensitivity 0.68 and specificity 0.92)]. The variant has been reported to be in trans with a pathogenic variant as either compound heterozygous or homozygous in at least 2 similarly affected unrelated individuals (PMID: 38626355). Therefore, this variant is classified as Likely pathogenic according to the recommendation of ACMG/AMP guideline.

Department of Medical Genetics, Gazi University
Classification: Likely pathogenic for Bronchiectasis and nasal polyposis. Review status: criteria provided, single submitter. Criteria: ACMG Guidelines, 2015. Collection method: clinical testing. Allele origin: germline. Inheritance: Autosomal recessive inheritance. Affected: yes. Observed: 1 homozygote.
Comment: It has also been reported in the homozygous or compound heterozygous state in multiple unrelated individuals with a consistent phenotype of bronchiectasis, chronic rhinosinusitis, and nasal polyposis (PMID: 38626355). This variant affects a highly conserved cysteine residue within the N-terminal WFDC domain. Functional studies have shown that the variant impairs glycosylation and leads to loss of detectable WFDC2 protein in secretions, supporting a deleterious effect (PS3). It is absent or extremely rare in population databases (PM2). The clinical presentation of our patient is consistent with the phenotype described in the literature (PP4). Based on the ACMG/AMP guidelines, this variant is classified as likely pathogenic.

Literature cited by the submitters: PubMed 38626355 (cited by 3billion and Department of Medical Genetics, Gazi University).

NM_006103.4(WFDC2):c.145T>C (p.Cys49Arg)

Genes: WFDC2 (WAP four-disulfide core domain 2; plus strand), LOC130065964 (ATAC-STARR-seq lymphoblastoid silent region 12958; plus strand). Cytogenetic location: 20q13.12.
Variant type: single nucleotide variant.
Coding change: c.145T>C on transcript NM_006103.4 (MANE Select); coding-DNA position 145, T replaced by C.
Protein change: p.Cys49Arg; replaces cysteine 49 with arginine.
Molecular consequence: missense variant.
Genome position (GRCh38, 1-based): chr20:45,470,454, T>C. VCF-style: chr20-45470454-T-C. GRCh37 (hg19) VCF-style: chr20-44099094-T-C.
Other names: short protein forms C49R.
Identifiers: ClinVar variation 3900633 (VCV003900633.2).
Genomic context (GRCh38, chr20:45,470,454, plus strand): 5'-GGAGCAGAGAAGACTGGCGTGTGCCCCGAGCTCCAGGCTGACCAGAACTGCACGCAAGAG[T>C]GCGTCTCGGACAGCGAATGCGCCGACAACCTCAAGTGCTGCAGCGCGGGCTGTGCCACCT-3'
Protein context (NP_006094.3, residues 39-59): LQADQNCTQE[Cys49Arg]VSDSECADNL